The following is an entry in ClinVar:

ClinVar aggregate classification (germline): Uncertain significance. Review status: criteria provided, multiple submitters, no conflicts (2 of 4 stars). 2 submissions from 2 submitters: Uncertain significance (2). Last evaluated 2025-10-29.

Conditions:
CREBBP-related disorder. Also called: CREBBP-related condition; CREBBP-related disorders.

Allele frequency attached by ClinVar (database versions not stated): gnomAD exomes below 0.00001; TOPMed 0.00001.
gnomAD v4.1: 1 of 1,613,956 alleles (0.000062%); highest among the groups gnomAD compares: Admixed American, 0.0017%; no homozygotes.

Submissions (2):

PreventionGenetics, part of Exact Sciences
Classification: Uncertain significance for CREBBP-related condition. Last evaluated: 2025-10-29. Review status: criteria provided, single submitter. Criteria: ACMG Guidelines, 2015. Collection method: clinical testing. Allele origin: germline.
Comment: The CREBBP c.6572A>G variant is predicted to result in the amino acid substitution p.Glu2191Gly. This variant was reported in the heterozygous state in an infant with suspected Rubinstein-Taybi syndrome (eTable 2, Maron et al. 2023. PubMed ID: 37432431). This variant has not been reported in a large population database (gnomAD), indicating this variant is rare. At this time, the clinical significance of this variant is uncertain due to the absence of conclusive functional and genetic evidence.

Athena Diagnostics
Classification: Uncertain significance. Last evaluated: 2020-05-15. Review status: criteria provided, single submitter. Criteria: Athena Diagnostics Criteria. Collection method: clinical testing. Allele origin: unknown.
Comment: This observation is not an independent occurrence and has been identified in the same individual by RCIGM, the other laboratory participating in the GEMINI study.

NM_004380.3(CREBBP):c.6572A>G (p.Glu2191Gly)

Gene: CREBBP (CREB binding lysine acetyltransferase; minus strand). Cytogenetic location: 16p13.3.
Variant type: single nucleotide variant.
Coding change: c.6572A>G on transcript NM_004380.3 (MANE Select); coding-DNA position 6572, A replaced by G.
Protein change: p.Glu2191Gly; replaces glutamic acid 2191 with glycine.
Molecular consequence: missense variant.
Genome position (GRCh38, 1-based): chr16:3,728,475, T>C on the plus strand (A>G on the coding strand, the complement: CREBBP is on the minus strand). VCF-style: chr16-3728475-T-C. GRCh37 (hg19) VCF-style: chr16-3778476-T-C.
Other names: c.6572A>G (NM_004380.2); c.6458A>G, p.Glu2153Gly (NM_001079846.1); short protein forms E2153G, E2191G.
Identifiers: ClinVar variation 1809748 (VCV001809748.2), dbSNP rs2051812588, ClinGen allele CA394552419.
Genomic context (GRCh38, chr16:3,728,475, plus strand): 5'-TGCTGCTGTTGTTGCTGCTGCTGTTGCTGCTGCTGCTGCAGCAGCTGCCTCCGTAACATT[T>C]CTCGGTACTGTGGATTCATACTCGCCATGTTGGGGTTGTGTCCTGGGTTCATGATGTTCA-3'
Protein context (NP_004371.2, residues 2181-2201): NMASMNPQYR[Glu2191Gly]MLRRQLLQQQ